The following is an entry in ClinVar:

ClinVar aggregate classification (germline): Uncertain significance (1 of 4 stars; one submission).

Conditions:
Charcot-Marie-Tooth disease type 2. Also called: Charcot-Marie-Tooth type 2. Identifiers: Orphanet 64746, MedGen C0270914, MONDO:0018993.

Allele frequency attached by ClinVar (database versions not stated): gnomAD 0.00001; TOPMed 0.00002.

Submission:

Labcorp Genetics (formerly Invitae), Labcorp
Classification: Uncertain significance for Charcot-Marie-Tooth disease type 2. Last evaluated: 2025-12-26. Review status: criteria provided, single submitter. Criteria: Invitae Variant Classification Sherloc (09022015). Collection method: clinical testing. Allele origin: germline.
Comment: This sequence change replaces serine, which is neutral and polar, with tryptophan, which is neutral and slightly polar, at codon 51 of the LMNA protein (p.Ser51Trp). This variant is present in population databases (no rsID available, gnomAD 0.02%). This variant has not been reported in the literature in individuals affected with LMNA-related conditions. ClinVar contains an entry for this variant (Variation ID: 2698721). Invitae Evidence Modeling of protein sequence and biophysical properties (such as structural, functional, and spatial information, amino acid conservation, physicochemical variation, residue mobility, and thermodynamic stability) indicates that this missense variant is expected to disrupt LMNA protein function with a positive predictive value of 95%. In summary, the available evidence is currently insufficient to determine the role of this variant in disease. Therefore, it has been classified as a Variant of Uncertain Significance.

NM_170707.4(LMNA):c.152C>G (p.Ser51Trp)

Gene: LMNA (lamin A/C; plus strand). Cytogenetic location: 1q22.
Variant type: single nucleotide variant.
Coding change: c.152C>G on transcript NM_170707.4 (MANE Select); coding-DNA position 152, C replaced by G.
Protein change: p.Ser51Trp; replaces serine 51 with tryptophan.
Molecular consequence: missense variant. On other transcripts: 5 prime UTR variant (8), intron variant (2).
Genome position (GRCh38, 1-based): chr1:156,115,070, C>G. VCF-style: chr1-156115070-C-G. GRCh37 (hg19) VCF-style: chr1-156084861-C-G.
Other names: c.152C>G, p.Ser51Trp (NM_001406985.1, NM_001406991.1, NM_001406992.1 and 6 more transcripts); c.-272C>G (NM_001406986.1); c.-250C>G (NM_001406990.1, NM_001406995.1, NM_001407002.1); c.-513C>G (NM_001406994.1, NM_001407000.1); c.-693C>G (NM_001406999.1); c.-356C>G (NM_001407001.1); c.-203+8247C>G (NM_001406993.1, NM_001407003.1); short protein forms S51W.
Identifiers: ClinVar variation 2698721 (VCV002698721.3), dbSNP rs1366035491, ClinGen allele CA342808005.